The following is an entry in ClinVar:

ClinVar aggregate classification (germline): Uncertain significance (1 of 4 stars; one submission).

Allele frequency attached by ClinVar (database versions not stated): ExAC 0.00001; gnomAD 0.00001; TOPMed 0.00002.
gnomAD v4.1: 20 of 1,597,970 alleles (0.0013%); highest among the groups gnomAD compares: Admixed American, 0.0017%; no homozygotes.

Submission:

GeneDx
Classification: Uncertain significance. Last evaluated: 2021-07-23. Review status: criteria provided, single submitter. Criteria: GeneDx Variant Classification Process June 2021. Collection method: clinical testing. Allele origin: germline. Affected: yes.
Comment: In silico analysis supports that this missense variant does not alter protein structure/function; Not observed at significant frequency in large population cohorts (Lek et al., 2016)

NM_024063.3(AFG2B):c.515C>A (p.Pro172His)

Gene: AFG2B (AFG2 AAA ATPase homolog B; plus strand). Cytogenetic location: 15q21.1.
Variant type: single nucleotide variant.
Coding change: c.515C>A on transcript NM_024063.3 (MANE Select); coding-DNA position 515, C replaced by A.
Protein change: p.Pro172His; replaces proline 172 with histidine.
Molecular consequence: missense variant. On other transcripts: non-coding transcript variant (5).
Genome position (GRCh38, 1-based): chr15:45,402,944, C>A. VCF-style: chr15-45402944-C-A. GRCh37 (hg19) VCF-style: chr15-45695142-C-A.
Other names: c.515C>A, p.Pro172His (NM_001323640.2); short protein forms P172H.
Identifiers: ClinVar variation 1275864 (VCV001275864.1), dbSNP rs765620529, ClinGen allele CA7543170.
Genomic context (GRCh38, chr15:45,402,944, plus strand): 5'-CTCCGCCAGGCGCTCCTGGCCTGGTGGCTGCCTTGCACATCGTCGGCGGGACGCCCAGTC[C>A]CGATCCCGCTGGGCTGGTCACCCCTCGTACCCGCGTCAGCCTTGGCGGGGAGCCTCCGTC-3'
Protein context (NP_076968.2, residues 162-182): ALHIVGGTPS[Pro172His]DPAGLVTPRT